The following is an entry in ClinVar:

ClinVar aggregate classification (germline): Likely benign. Review status: criteria provided, multiple submitters, no conflicts (2 of 4 stars). 4 submissions from 4 submitters: Likely benign (4). Last evaluated 2026-01-13.

Conditions:
Baller-Gerold syndrome (BGS). Also called: CRANIOSYNOSTOSIS WITH RADIAL DEFECTS. Identifiers: Orphanet 1225, MedGen C0265308, MONDO:0009039, OMIM 218600.

Allele frequency attached by ClinVar (database versions not stated): gnomAD exomes 0.00009; ExAC 0.00013; gnomAD 0.00025; TOPMed 0.00041; ESP Exome Variant Server 0.00054.
gnomAD v4.1: 108 of 1,612,438 alleles (0.0067%); highest among the groups gnomAD compares: African/African-American, 0.12%; no homozygotes.

Submissions (4):

Labcorp Genetics (formerly Invitae), Labcorp
Classification: Likely benign for Baller-Gerold syndrome. Last evaluated: 2026-01-13. Review status: criteria provided, single submitter. Criteria: Invitae Variant Classification Sherloc (09022015). Collection method: clinical testing. Allele origin: germline.

CeGaT Center for Human Genetics Tuebingen
Classification: Likely benign. Last evaluated: 2024-10-01. Review status: criteria provided, single submitter. Criteria: CeGaT Center For Human Genetics Tuebingen Variant Classification Criteria Version 2. Collection method: clinical testing. Allele origin: germline. Affected: yes. Observed: 2 variant alleles.
Comment: RECQL4: BP4, BP7

Blueprint Genetics
Classification: Likely benign. Last evaluated: 2024-04-16. Review status: criteria provided, single submitter. Criteria: ACMG Guidelines, 2015. Collection method: clinical testing. Allele origin: germline.

Breakthrough Genomics
Classification: Likely benign. Review status: criteria provided, single submitter. Criteria: ACMG Guidelines, 2015. Collection method: not provided. Allele origin: germline. Inheritance: Autosomal recessive inheritance. Affected: yes.

NM_004260.4(RECQL4):c.3402T>C (p.Asp1134=)

Gene: RECQL4 (RecQ like helicase 4; minus strand). Cytogenetic location: 8q24.3.
Variant type: single nucleotide variant.
Coding change: c.3402T>C on transcript NM_004260.4 (MANE Select); coding-DNA position 3402, T replaced by C.
Protein change: p.Asp1134=; no amino-acid change (aspartic acid 1134 retained).
Molecular consequence: synonymous variant.
Genome position (GRCh38, 1-based): chr8:144,511,781, A>G on the plus strand (T>C on the coding strand, the complement: RECQL4 is on the minus strand). VCF-style: chr8-144511781-A-G. GRCh37 (hg19) VCF-style: chr8-145737164-A-G.
Identifiers: ClinVar variation 529063 (VCV000529063.35), dbSNP rs371037028, ClinGen allele CA4947751.